The following is an entry in ClinVar:

NM_001035.3(RYR2):c.6504C>G (p.His2168Gln)

Gene: RYR2 (ryanodine receptor 2; plus strand). Cytogenetic location: 1q43.
Variant type: single nucleotide variant.
Coding change: c.6504C>G on transcript NM_001035.3 (MANE Select); coding-DNA position 6504, C replaced by G.
Protein change: p.His2168Gln; replaces histidine 2168 with glutamine.
Molecular consequence: missense variant.
Genome position (GRCh38, 1-based): chr1:237,631,490, C>G. VCF-style: chr1-237631490-C-G. GRCh37 (hg19) VCF-style: chr1-237794790-C-G.
Other names: c.6504C>G, p.His2168Gln (LRG_402t1); short protein forms H2168Q.
Identifiers: ClinVar variation 381484 (VCV000381484.14), dbSNP rs760237464, ClinGen allele CA16603634.
Genomic context (GRCh38, chr1:237,631,490, plus strand): 5'-TATTATGAATAACAAAGTGTTTTACCAGCACCCTAATCTCATGAGGGCACTGGGGATGCA[C>G]GAGACTGTGATGGAGGTCATGGTGAACGTCCTTGGAGGTGGAGAGTCCAAGGTAACGTCT-3'
Protein context (NP_001026.2, residues 2158-2178): HPNLMRALGM[His2168Gln]ETVMEVMVNV

ClinVar aggregate classification (germline): Conflicting classifications of pathogenicity. Review status: criteria provided, conflicting classifications (1 of 4 stars). 3 submissions from 3 submitters: Pathogenic (1); Likely pathogenic (1); Uncertain significance (1). Last evaluated 2026-01-23.

Conditions:
RYR2-related disorder. Also called: RYR2-related condition.
Catecholaminergic polymorphic ventricular tachycardia 1. Also called: VENTRICULAR TACHYCARDIA, CATECHOLAMINERGIC POLYMORPHIC, 1, WITH OR WITHOUT ATRIAL DYSFUNCTION AND/OR DILATED CARDIOMYOPATHY; VENTRICULAR TACHYCARDIA, STRESS-INDUCED POLYMORPHIC 1; RYR2-Related Catecholaminergic Polymorphic Ventricular Tachycardia. Identifiers: Orphanet 3286, MedGen C1631597, MONDO:0011484, OMIM 604772.

Submissions (3):

PreventionGenetics, part of Exact Sciences
Classification: Likely pathogenic for RYR2-related condition. Last evaluated: 2026-01-23. Review status: criteria provided, single submitter. Criteria: ACMG Guidelines, 2015. Collection method: clinical testing. Allele origin: germline.
Comment: The RYR2 c.6504C>G variant is predicted to result in the amino acid substitution p.His2168Gln. This variant has been reported in several individuals with catecholaminergic polymorphic ventricular tachycardia (Medeiros-Domingo et al. 2009. PubMed ID: 19926015; Walsh et al. 2014. PubMed ID: 24136861; Giudicessi et al. 2019. PubMed ID: 31112425; Kapplinger et al. 2018. PubMed ID: 29453246). This variant has not been reported in a large population database (gnomAD), indicating this variant is rare. An alternate missense change impacting the same amino acid (p.His2168Arg) has been reported in an individual with sudden arrhythmic death syndrome (Lahrouchi et al. 2017. PubMed ID: 28449774). This variant is interpreted as likely pathogenic.

Labcorp Genetics (formerly Invitae), Labcorp
Classification: Pathogenic for Catecholaminergic polymorphic ventricular tachycardia 1. Last evaluated: 2024-05-21. Review status: criteria provided, single submitter. Criteria: Invitae Variant Classification Sherloc (09022015). Collection method: clinical testing. Allele origin: germline.
Comment: This sequence change replaces histidine, which is basic and polar, with glutamine, which is neutral and polar, at codon 2168 of the RYR2 protein (p.His2168Gln). This variant is not present in population databases (gnomAD no frequency). This missense change has been observed in individuals with autosomal dominant RYR2-related conditions (PMID: 19926015, 29453246, 31112425). ClinVar contains an entry for this variant (Variation ID: 381484). Advanced modeling of protein sequence and biophysical properties (such as structural, functional, and spatial information, amino acid conservation, physicochemical variation, residue mobility, and thermodynamic stability) performed at Invitae indicates that this missense variant is expected to disrupt RYR2 protein function with a positive predictive value of 95%. For these reasons, this variant has been classified as Pathogenic.

GeneDx
Classification: Uncertain significance. Last evaluated: 2017-02-01. Review status: criteria provided, single submitter. Criteria: GeneDx Variant Classification (06012015). Collection method: clinical testing. Allele origin: germline. Affected: yes.
Comment: A variant of uncertain significance has been identified in the RYR2 gene. The H2168Q variant has been published in two patients with CPVT (Medeiros-Domingo et al., 2009); however, additional clinical information and functional studies were not included. This variant is not observed in large population cohorts (Lek et al., 2016; 1000 Genomes Consortium et al., 2015; Exome Variant Server). The H2168Q variant is a semi-conservative amino acid substitution, which may impact secondary protein structure as these residues differ in some properties. This substitution occurs at a position that is conserved across species and in silico analysis suggests that this variant is probably damaging to the protein structure/function. Nevertheless, the H2168Q variant is not located in one of the three hot-spot regions of the RYR2 gene, where the majority of pathogenic missense variants occur (Medeiros-Domingo et al., 2009).

Literature cited by the submitters: PubMed 19926015 (cited by Labcorp Genetics (formerly Invitae), Labcorp); PubMed 29453246 (cited by Labcorp Genetics (formerly Invitae), Labcorp); PubMed 31112425 (cited by Labcorp Genetics (formerly Invitae), Labcorp).